The following is an entry in ClinVar:

ClinVar aggregate classification (germline): Uncertain significance (1 of 4 stars; one submission).

Submission:

GeneDx
Classification: Uncertain significance. Last evaluated: 2026-02-24. Review status: criteria provided, single submitter. Criteria: GeneDx Variant Classification Process June 2021. Collection method: clinical testing. Allele origin: germline.
Comment: Not observed at significant frequency in large population cohorts (gnomAD); In silico analysis supports that this missense variant has a deleterious effect on protein structure/function; Has not been previously published as pathogenic or benign to our knowledge

NM_006494.4(ERF):c.82C>G (p.Gln28Glu)

Gene: ERF (ETS2 repressor factor; minus strand). Cytogenetic location: 19q13.2.
Variant type: single nucleotide variant.
Coding change: c.82C>G on transcript NM_006494.4 (MANE Select); coding-DNA position 82, C replaced by G.
Protein change: p.Gln28Glu; replaces glutamine 28 with glutamic acid.
Molecular consequence: missense variant. On other transcripts: 5 prime UTR variant (4), intron variant (1).
Genome position (GRCh38, 1-based): chr19:42,250,506, G>C on the plus strand (C>G on the coding strand, the complement: ERF is on the minus strand). VCF-style: chr19-42250506-G-C. GRCh37 (hg19) VCF-style: chr19-42754658-G-C.
Other names: c.-144C>G (NM_001301035.2, NM_001308402.2, NM_001312656.2 and 1 more transcripts); c.-550-564C>G (NM_001440421.1); short protein forms Q28E.
Identifiers: ClinVar variation 4975211 (VCV004975211.1).